The following is an entry in ClinVar:

ClinVar aggregate classification (germline): Uncertain significance. Review status: criteria provided, multiple submitters, no conflicts (2 of 4 stars). 2 submissions from 2 submitters: Uncertain significance (2). Last evaluated 2024-12-22.

Conditions:
Multiple endocrine neoplasia, type 2 (MEN2). Identifiers: Orphanet 653, MedGen C4048306, MONDO:0019003. Disease mechanism: gain of function.
Hereditary cancer-predisposing syndrome. Also called: Tumor predisposition; Hereditary neoplastic syndrome; Neoplastic Syndromes, Hereditary; Hereditary Cancer Syndrome. Identifiers: Orphanet 140162, MedGen C0027672, MeSH D009386, MONDO:0015356.

Allele frequency attached by ClinVar (database versions not stated): gnomAD exomes below 0.00001.
gnomAD v4.1: 1 of 1,613,676 alleles (0.000062%); highest among the groups gnomAD compares: Non-Finnish European, 0.000085%; no homozygotes.

Submissions (2):

Ambry Genetics
Classification: Uncertain significance for Hereditary cancer-predisposing syndrome. Last evaluated: 2024-12-22. Review status: criteria provided, single submitter. Criteria: Ambry Variant Classification Scheme 2023. Collection method: clinical testing. Allele origin: germline.
Comment: The p.D34Y variant (also known as c.100G>T), located in coding exon 2 of the RET gene, results from a G to T substitution at nucleotide position 100. The aspartic acid at codon 34 is replaced by tyrosine, an amino acid with highly dissimilar properties. This amino acid position is well conserved in available vertebrate species. In addition, the in silico prediction for this alteration is inconclusive. Since supporting evidence is limited at this time, the clinical significance of this alteration remains unclear.

Labcorp Genetics (formerly Invitae), Labcorp
Classification: Uncertain significance for Multiple endocrine neoplasia, type 2. Last evaluated: 2022-02-23. Review status: criteria provided, single submitter. Criteria: Invitae Variant Classification Sherloc (09022015). Collection method: clinical testing. Allele origin: germline.
Comment: This sequence change replaces aspartic acid, which is acidic and polar, with tyrosine, which is neutral and polar, at codon 34 of the RET protein (p.Asp34Tyr). This variant is not present in population databases (gnomAD no frequency). This variant has not been reported in the literature in individuals affected with RET-related conditions. ClinVar contains an entry for this variant (Variation ID: 951605). Algorithms developed to predict the effect of missense changes on protein structure and function are either unavailable or do not agree on the potential impact of this missense change (SIFT: "Deleterious"; PolyPhen-2: "Probably Damaging"; Align-GVGD: "Class C0"). Algorithms developed to predict the effect of sequence changes on RNA splicing suggest that this variant may create or strengthen a splice site. In summary, the available evidence is currently insufficient to determine the role of this variant in disease. Therefore, it has been classified as a Variant of Uncertain Significance.

NM_020975.6(RET):c.100G>T (p.Asp34Tyr)

Gene: RET (ret proto-oncogene; plus strand). Cytogenetic location: 10q11.21.
Variant type: single nucleotide variant.
Coding change: c.100G>T on transcript NM_020975.6 (MANE Select); coding-DNA position 100, G replaced by T.
Protein change: p.Asp34Tyr; replaces aspartic acid 34 with tyrosine.
Molecular consequence: missense variant.
Genome position (GRCh38, 1-based): chr10:43,100,485, G>T. VCF-style: chr10-43100485-G-T. GRCh37 (hg19) VCF-style: chr10-43595933-G-T.
Other names: c.100G>T, p.Asp34Tyr (NM_000323.2, NM_001406743.1, NM_001406744.1 and 34 more transcripts); short protein forms D34Y.
Identifiers: ClinVar variation 951605 (VCV000951605.14), dbSNP rs1837613489, ClinGen allele CA376770089.